The following is an entry in ClinVar:

NM_024675.4(PALB2):c.3114-3511_3201+191del

Gene: PALB2 (partner and localizer of BRCA2; minus strand). Cytogenetic location: 16p12.2.
Variant type: Deletion.
Coding change: c.3114-3511_3201+191del on transcript NM_024675.4 (MANE Select); 3511 bases into the intron before coding-DNA position 3114 through 191 bases into the intron after coding-DNA position 3201, 3,790 bases deleted.
Molecular consequence: splice acceptor variant, splice donor variant.
Genome position (GRCh38, 1-based): chr16:23,613,813-23,617,602, 3,790 bases deleted. GRCh37 (hg19): chr16:23,625,135-23,628,924.
Identifiers: ClinVar variation 830194 (VCV000830194.2), ClinGen allele CA916081806.

ClinVar aggregate classification (germline): Pathogenic (0 of 4 stars; one submission).

Conditions:
Familial cancer of breast. Also called: BREAST CANCER, FAMILIAL; Hereditary breast cancer; hereditary breast carcinoma. Identifiers: Orphanet 227535, MedGen C0346153, MONDO:0016419, OMIM 114480. Disease mechanism: loss of function.

Submission:

Leiden Open Variation Database
Classification: Pathogenic for Familial cancer of breast. Last evaluated: 2019-05-13. Review status: no assertion criteria provided. Collection method: curation. Allele origin: germline. Affected: yes.
Comment: Curators: Marc Tischkowitz, Arleen D. Auerbach. Submitter to LOVD: Marc Tischkowitz.

Literature cited by the submitters: PubMed 24982446.